The following is an entry in ClinVar:

ClinVar aggregate classification (germline): Uncertain significance (1 of 4 stars; one submission).

Submission:

Women's Health and Genetics/Laboratory Corporation of America, LabCorp
Classification: Uncertain significance. Last evaluated: 2021-02-09. Review status: criteria provided, single submitter. Criteria: LabCorp Variant Classification Summary - May 2015. Collection method: clinical testing. Allele origin: germline.
Comment: Variant summary: EPHA3 c.1915C>A (p.Arg639Ser) results in a non-conservative amino acid change in the encoded protein sequence. Three of five in-silico tools predict a damaging effect of the variant on protein function. The variant was absent in 248536 control chromosomes (gnomAD). The available data on variant occurrences in the general population are insufficient to allow any conclusion about variant significance. To our knowledge, no occurrence of c.1915C>A in individuals affected with EPHA3-Related Disorders and no experimental evidence demonstrating its impact on protein function have been reported. No clinical diagnostic laboratories have submitted clinical-significance assessments for this variant to ClinVar after 2014. Based on the evidence outlined above, the variant was classified as uncertain significance.

Literature cited by the submitters: PubMed 26343386.

NM_005233.6(EPHA3):c.1915C>A (p.Arg639Ser)

Gene: EPHA3 (EPH receptor A3; plus strand). Cytogenetic location: 3p11.1.
Variant type: single nucleotide variant.
Coding change: c.1915C>A on transcript NM_005233.6 (MANE Select); coding-DNA position 1915, C replaced by A.
Protein change: p.Arg639Ser; replaces arginine 639 with serine.
Molecular consequence: missense variant.
Genome position (GRCh38, 1-based): chr3:89,419,231, C>A. VCF-style: chr3-89419231-C-A. GRCh37 (hg19) VCF-style: chr3-89468381-C-A.
Other names: short protein forms R639S.
Identifiers: ClinVar variation 997899 (VCV000997899.1), dbSNP rs754102338, ClinGen allele CA353669192.
Genomic context (GRCh38, chr3:89,419,231, plus strand): 5'-CCTTACATTTTGTTGCTGTTCTGCTTTATAACAGGTGAATTTGGAGAGGTGTGCAGTGGT[C>A]GCTTAAAACTTCCTTCAAAAAAAGAGATTTCAGTGGCCATTAAGACCCTGAAAGTTGGCT-3'
Protein context (NP_005224.2, residues 629-649): AGEFGEVCSG[Arg639Ser]LKLPSKKEIS